The following continues an entry in ClinVar:

NM_000441.2(SLC26A4):c.1001+1G>A

Gene: SLC26A4. ClinVar aggregate classification (germline): Pathogenic. Pathogenic (27).

Submissions 17 to 33 of 33:

Genome-Nilou Lab
Classification: Pathogenic for Pendred syndrome. Last evaluated: 2021-09-05. Review status: criteria provided, single submitter. Criteria: ACMG Guidelines, 2015. Collection method: clinical testing. Allele origin: germline. Affected: no.

Department of Otolaryngology – Head & Neck Surgery, Cochlear Implant Center
Classification: Pathogenic for Pendred syndrome. Last evaluated: 2021-04-12. Review status: criteria provided, single submitter. Criteria: ClinGen HL ACMG Specifications v1. Collection method: clinical testing. Allele origin: germline. Affected: yes.
Comment: PVS1_Strong, PS1_Strong, PM2_Supporting, PM3_Moderate, PP4_Supporting

Molecular Diagnostics Lab, Nemours Children's Health, Delaware
Classification: Pathogenic for Pendred syndrome. Last evaluated: 2020-05-06. Review status: criteria provided, single submitter. Criteria: ACMG Guidelines, 2015. Collection method: clinical testing. Allele origin: maternal, paternal, unknown. Inheritance: Autosomal recessive inheritance. Affected: yes and no. Observed: 2 heterozygotes, 4 compound heterozygotes. Clinical features observed: Sensorineural hearing loss disorder (HP:0000407), Enlarged vestibular aqueduct syndrome (HP:0011387). Segregation with disease observed.

Myriad Genetics, Inc.
Classification: Pathogenic for Pendred syndrome. Last evaluated: 2019-12-04. Review status: criteria provided, single submitter. Criteria: Myriad Women's Health Autosomal Recessive and X-Linked Classification Criteria (2019). Collection method: clinical testing. Allele origin: unknown.
Comment: NM_000441.1(SLC26A4):c.1001+1G>A is classified as pathogenic in the context of Pendred syndrome. Sources cited for classification include the following: PMID 11317356 and 9618167. Classification of NM_000441.1(SLC26A4):c.1001+1G>A is based on the following criteria: The variant is located at a canonical splice site, is expected to disrupt gene function and is reported in individuals with the relevant phenotype. Please note: this variant was assessed in the context of healthy population screening.

Revvity Omics, Revvity
Classification: Pathogenic. Last evaluated: 2019-09-08. Review status: criteria provided, single submitter. Criteria: ACMG Guidelines, 2015. Collection method: clinical testing. Allele origin: germline.

Eurofins Ntd Llc (ga)
Classification: Pathogenic. Last evaluated: 2018-08-17. Review status: criteria provided, single submitter. Criteria: EGL ClinVar v180209 classification definitions. Collection method: clinical testing. Allele origin: germline. Observed: 1 variant allele, 1 heterozygote.

Victorian Clinical Genetics Services, Murdoch Childrens Research Institute
Classification: Pathogenic for Autosomal recessive nonsyndromic hearing loss 4. Last evaluated: 2017-07-12. Review status: criteria provided, single submitter. Criteria: ACMG Guidelines, 2015. Collection method: clinical testing. Allele origin: unknown. Affected: yes.
Comment: The, NM_000441.1(SLC26A4):c.1001+1G>A heterozygous splice variant was identified in intron 8 of SLC26A4. This substitution is predicted to cause aberrant splicing of exon 8 in SLC26A4 and may result in a truncated protein; further testing via RNA studies are required to confirm if splicing is altered. The nucleotide at this position has moderate conservation (100 vertebrates, UCSC). In silico software predictions of the pathogenicity of this variant indicate this variant causes loss of a splice donor site (NetGene2, Fruit fly, Human Splicing Finder). This variant is present in the gnomAD population database at a frequency of 0.019% and it has been previously reported in patients with autosomal recessive Pendred syndrome (Clinvar/Deafness Variation Database). Based on current information and in association with the NM_000441.1(SLC26A4):c.707T>C missense variant , this variant has been classified as PATHOGENIC. The presence of these two variants suggests a possible compound heterozygous mode of inheritance which is consistent with autosomal recessive Pendred syndrome.

Illumina Laboratory Services, Illumina
Classification: Pathogenic for SLC26A4-Related Disorders. Last evaluated: 2017-04-27. Review status: criteria provided, single submitter. Criteria: ICSL Variant Classification Criteria 09 May 2019. Collection method: clinical testing. Allele origin: germline.
Comment: The SLC26A4 c.1001+1G>A variant is a well-known splice donor variant that leads to aberrant splicing and accounts for approximately 14% of disease-causing alleles in persons of northern European descent (Alasti et al. 2014). Across a selection of the available literature, the c.1001+1G>A has been identified in a total of 53 individuals with hearing loss or Pendred syndrome, including four homozygotes, 17 compound heterozygotes, and 32 heterozygotes where a second variant was not identified (Coyle et al. 1998; Bogazzi et al. 2000; Campbell et al. 2001; Fugazzola et al. 2002; Tsukamoto et al. 2003; Bogazzi et al. 2004; Pryor et al. 2005; Madden et al. 2007; Pera et al. 2008; Pourova et al. 2010). The c.1001+1G>A variant is absent from over 500 controls and is reported at a frequency of 0.00052 in the European American population of the Exome Sequencing Project. Based on the collective evidence, the c.1001+1G>A variant is classified as pathogenic for SLC26A4-related disorders. This variant was observed by ICSL as part of a predisposition screen in an ostensibly healthy population.

Laboratory for Molecular Medicine, Mass General Brigham Personalized Medicine
Classification: Pathogenic for Rare genetic deafness. Last evaluated: 2017-04-13. Review status: criteria provided, single submitter. Criteria: LMM Criteria. Collection method: clinical testing. Allele origin: germline. Inheritance: Autosomal recessive inheritance. Observed: 20 variant alleles.
Comment: The c.1001+1G>A variant in SLC26A4 has been previously described in the literatu re in individuals with Pendred syndrome/DFNB4 with well-established pathogenicit y (Coyle 1998, Campbell 2001, Bogazzi 2000, Lopez-Bigas 2001, Fugazzola 2002, Ts ukamoto 2003, Bogazzi 2004, Pryor 2005, Madden 2007, Pera 2008, Pourova 2010). T his variant is present in 47/125744 European chromosomes by the Genome Aggregati on Database; however, this frequency is low enough to be consistent with a carri er frequency for recessive hearing loss or Pendred syndrome (gnomAD; dbSNP rs80338849). This variant occurs in the invariant r egion (+/- 1,2) of the splice consensus sequence and is predicted to cause alter ed splicing leading to an abnormal or absent protein. In summary, this variant meets criteria to be classified as pathogenic for autosomal recessive DFNB4/Pend red syndrome based on the previously reported biallelic occurrences in affected individuals, association with specific clinical features, a low frequency in the general population, and predicted impact to the protein. ACMG/AMP criteria appl ied: PVS1, PS4.

Genomic Diagnostic Laboratory, Division of Genomic Diagnostics, Children's Hospital of Philadelphia
Classification: Pathogenic. Last evaluated: 2015-11-10. Review status: criteria provided, single submitter. Criteria: DGD Variant Analysis Guidelines. Collection method: clinical testing. Allele origin: unknown.

Baylor Genetics
Classification: Pathogenic for Pendred syndrome. Review status: criteria provided, single submitter. Criteria: ACMG Guidelines, 2015. Collection method: clinical testing. Allele origin: germline.

Division of Human Genetics, Children's Hospital of Philadelphia
Classification: Pathogenic for Autosomal recessive nonsyndromic hearing loss 4. Last evaluated: 2016-06-30. Review status: no assertion criteria provided. Collection method: research. Allele origin: maternal. Affected: yes. Study: CSER-PediSeq. Not counted in ClinVar's aggregate classification.

OMIM
Classification: Pathogenic for PENDRED SYNDROME. Last evaluated: 1998-07-01. Review status: no assertion criteria provided. Collection method: literature only. Allele origin: germline. Not counted in ClinVar's aggregate classification.

Clinical Genetics DNA and cytogenetics Diagnostics Lab, Erasmus MC, Erasmus Medical Center
Classification: Pathogenic. Review status: no assertion criteria provided. Collection method: clinical testing. Allele origin: germline. Affected: yes. Study: VKGL Data-share Consensus. Not counted in ClinVar's aggregate classification.

Dr. Peter K. Rogan Lab, Western University
No classification provided (evidence only). Condition: Thymoma. Review status: no classification provided. Collection method: in vitro. Allele origin: not applicable. Functional consequence: retained intron. Not counted in ClinVar's aggregate classification.

GeneReviews
No classification provided. Condition: Pendred syndrome. Review status: no classification provided. Collection method: literature only. Allele origin: germline. Not counted in ClinVar's aggregate classification.

Joint Genome Diagnostic Labs from Nijmegen and Maastricht, Radboudumc and MUMC+
Classification: Pathogenic. Review status: no assertion criteria provided. Collection method: clinical testing. Allele origin: germline. Affected: yes. Study: VKGL Data-share Consensus. Not counted in ClinVar's aggregate classification.

Literature cited by the submitters: PubMed 16199547 (cited by Labcorp Genetics (formerly Invitae), Labcorp); PubMed 16283880 (cited by Labcorp Genetics (formerly Invitae), Labcorp); PubMed 25394566 (cited by Labcorp Genetics (formerly Invitae), Labcorp); PubMed 26252218 (cited by Labcorp Genetics (formerly Invitae), Labcorp); PubMed 26445815 (cited by Labcorp Genetics (formerly Invitae), Labcorp); PubMed 9618167 (cited by 7 submitters); PubMed 24224479 (cited by Labcorp Genetics (formerly Invitae), Labcorp); PubMed 26744121 (cited by Labcorp Genetics (formerly Invitae), Labcorp); PubMed 20597900 (cited by 3 submitters); PubMed 24051746 (cited by Otogenetics); PubMed 24599119 (cited by Otogenetics and Molecular Diagnostics Lab, Nemours Children's Health, Delaware); PubMed 26752218 (cited by Otogenetics and Molecular Diagnostics Lab, Nemours Children's Health, Delaware); PubMed 27627659 (cited by Otogenetics); PubMed 28273078 (cited by Otogenetics); PubMed 18285825 (cited by 4 submitters); PubMed 17197040 (cited by Natera, Inc.); PubMed 10443670 (cited by Natera, Inc.); PubMed 8285825 (cited by Department of Otolaryngology – Head & Neck Surgery, Cochlear Implant Center); PubMed 11317356 (cited by 3 submitters); PubMed 17309986 (cited by Illumina Laboratory Services, Illumina and Laboratory for Molecular Medicine, Mass General Brigham Personalized Medicine); PubMed 15689455 (cited by Illumina Laboratory Services, Illumina and Laboratory for Molecular Medicine, Mass General Brigham Personalized Medicine); PubMed 11919333 (cited by Illumina Laboratory Services, Illumina and Laboratory for Molecular Medicine, Mass General Brigham Personalized Medicine); PubMed 20301640 (cited by Illumina Laboratory Services, Illumina); PubMed 15279074 (cited by Illumina Laboratory Services, Illumina and Laboratory for Molecular Medicine, Mass General Brigham Personalized Medicine); PubMed 10718825 (cited by Illumina Laboratory Services, Illumina and Laboratory for Molecular Medicine, Mass General Brigham Personalized Medicine); PubMed 14508505 (cited by Illumina Laboratory Services, Illumina and Laboratory for Molecular Medicine, Mass General Brigham Personalized Medicine); NCBI Bookshelf NBK1467 (cited by GeneReviews).